The following is an entry in ClinVar:

ClinVar aggregate classification (germline): Benign (1 of 4 stars; one submission).

Allele frequency attached by ClinVar (database versions not stated): TOPMed 0.00080; gnomAD 0.00084; gnomAD exomes 0.00132.
gnomAD v4.1: 440 of 398,820 alleles (0.11%); highest among the groups gnomAD compares: Non-Finnish European, 0.17%; no homozygotes.

Submission:

CeGaT Center for Human Genetics Tuebingen
Classification: Benign. Last evaluated: 2026-08-01. Review status: criteria provided, single submitter. Criteria: CeGaT Center For Human Genetics Tuebingen Variant Classification Criteria Version 2. Collection method: clinical testing. Allele origin: germline. Affected: yes. Observed: 20 variant alleles.
Comment: KCNQ1OT1: BS1, BS2

NM_000218.3(KCNQ1):c.1514+26871T>C

Genes: KCNQ1 (potassium voltage-gated channel subfamily Q member 1; plus strand), KCNQ1OT1 (KCNQ1 opposite strand/antisense transcript 1; minus strand). Cytogenetic location: 11p15.5.
Variant type: single nucleotide variant.
Coding change: c.1514+26871T>C on transcript NM_000218.3 (MANE Select); 26871 bases into the intron after coding-DNA position 1514, T replaced by C.
Molecular consequence: intron variant.
Genome position (GRCh38, 1-based): chr11:2,688,952, T>C. VCF-style: chr11-2688952-T-C. GRCh37 (hg19) VCF-style: chr11-2710182-T-C.
Other names: c.1244+26871T>C (NM_001406837.1); c.1418+26871T>C (NM_001406836.1); c.974+26871T>C (NM_001406838.1); c.1133+26871T>C (NM_181798.2).
Identifiers: ClinVar variation 1711312 (VCV001711312.30), dbSNP rs567783755, ClinGen allele CA216191007.
Genomic context (GRCh38, chr11:2,688,952, plus strand): 5'-TGAGGTGGGGCTAGGGCCACCCCACACAGGCCTGTCTCACAGGCTGTCACCCACTGGGCC[T>C]AGGGCTCTGAGAGTAGGGGTCTGATCTGGAGAGCAGGGGAGCCTGCAGGTCCCTGGGTTG-3'